The following is an entry in ClinVar:

NM_006978.3(RNF113A):c.682C>T (p.His228Tyr)

Gene: RNF113A (ring finger protein 113A; minus strand). Cytogenetic location: Xq24.
Variant type: single nucleotide variant.
Coding change: c.682C>T on transcript NM_006978.3 (MANE Select); coding-DNA position 682, C replaced by T.
Protein change: p.His228Tyr; replaces histidine 228 with tyrosine.
Molecular consequence: missense variant.
Genome position (GRCh38, 1-based): chrX:119,870,932, G>A on the plus strand (C>T on the coding strand, the complement: RNF113A is on the minus strand). VCF-style: chrX-119870932-G-A. GRCh37 (hg19) VCF-style: chrX-119004895-G-A.
Other names: short protein forms H228Y.
Identifiers: ClinVar variation 1946285 (VCV001946285.5), dbSNP rs1433127721, ClinGen allele CA414187517.

ClinVar aggregate classification (germline): Uncertain significance (1 of 4 stars; one submission).

Allele frequency attached by ClinVar (database versions not stated): gnomAD exomes 0.00001.

Submission:

Labcorp Genetics (formerly Invitae), Labcorp
Classification: Uncertain significance. Last evaluated: 2022-10-13. Review status: criteria provided, single submitter. Criteria: Invitae Variant Classification Sherloc (09022015). Collection method: clinical testing. Allele origin: germline.
Comment: In summary, the available evidence is currently insufficient to determine the role of this variant in disease. Therefore, it has been classified as a Variant of Uncertain Significance. Algorithms developed to predict the effect of sequence changes on RNA splicing suggest that this variant may create or strengthen a splice site. Algorithms developed to predict the effect of missense changes on protein structure and function (SIFT, PolyPhen-2, Align-GVGD) all suggest that this variant is likely to be tolerated. This variant has not been reported in the literature in individuals affected with RNF113A-related conditions. This variant is present in population databases (no rsID available, gnomAD 0.001%). This sequence change replaces histidine, which is basic and polar, with tyrosine, which is neutral and polar, at codon 228 of the RNF113A protein (p.His228Tyr).